The following is an entry in ClinVar:

NM_005050.4(ABCD4):c.1736G>A (p.Arg579Gln)

Gene: ABCD4 (ATP binding cassette subfamily D member 4; minus strand). Cytogenetic location: 14q24.3.
Variant type: single nucleotide variant.
Coding change: c.1736G>A on transcript NM_005050.4 (MANE Select); coding-DNA position 1736, G replaced by A.
Protein change: p.Arg579Gln; replaces arginine 579 with glutamine.
Molecular consequence: missense variant. On other transcripts: 3 prime UTR variant (1), non-coding transcript variant (10).
Genome position (GRCh38, 1-based): chr14:74,286,717, C>T on the plus strand (G>A on the coding strand, the complement: ABCD4 is on the minus strand). VCF-style: chr14-74286717-C-T. GRCh37 (hg19) VCF-style: chr14-74753420-C-T.
Other names: c.1610G>A, p.Arg537Gln (NM_001353591.2, NM_001353592.2); c.1475G>A, p.Arg492Gln (NM_001353593.2); c.1424G>A, p.Arg475Gln (NM_001353594.2); c.1322G>A, p.Arg441Gln (NM_001353595.2, NM_001353596.2); c.1271G>A, p.Arg424Gln (NM_001353597.2); c.1259G>A, p.Arg420Gln (NM_001353598.2, NM_001353599.2, NM_001353600.2 and 2 more transcripts); c.947G>A, p.Arg316Gln (NM_001353602.2, NM_001353603.2, NM_001353604.2 and 5 more transcripts); c.*73G>A (NM_001353610.2); and 1 more; short protein forms R579Q, R441Q, R475Q, R420Q, R424Q, R492Q, R537Q, R316Q.
Identifiers: ClinVar variation 376915 (VCV000376915.38), dbSNP rs143288344, ClinGen allele CA7266617.
Genomic context (GRCh38, chr14:74,286,717, plus strand): 5'-TGGGTTCTTTCTCCTCCTCAGGCCATCCTTGTGAGCACGGGTACCTTCTCAAGGCTCTGC[C>T]GATGTCCCACACTGATGAACGTCATCCCCAGCTGCTGGCCGATGCGATAGAGCTCGCTCT-3'
Protein context (NP_005041.1, residues 569-589): LGMTFISVGH[Arg579Gln]QSLEKFHSLV

ClinVar aggregate classification (germline): Benign/Likely benign. Review status: criteria provided, multiple submitters, no conflicts (2 of 4 stars). 6 submissions from 6 submitters: Benign (2); Likely benign (4). Last evaluated 2026-06-01.

Conditions:
Methylmalonic acidemia with homocystinuria, type cblJ (MAHCJ). Also called: METHYLMALONIC ACIDURIA AND HOMOCYSTINURIA, cblJ TYPE. Identifiers: Orphanet 369955, MedGen C3553915, MONDO:0013925, OMIM 614857.

Allele frequency attached by ClinVar (database versions not stated): ESP Exome Variant Server 0.00315; gnomAD 0.00410 and 0.00421; gnomAD exomes 0.00428; ExAC 0.00431; 1000 Genomes Project 30x 0.00234; 1000 Genomes Project 0.00240; TOPMed 0.00282.
gnomAD v4.1: 8,298 of 1,614,076 alleles (0.51%); highest among the groups gnomAD compares: Non-Finnish European, 0.58%; 28 homozygotes.

Submissions (6):

CeGaT Center for Human Genetics Tuebingen
Classification: Likely benign. Last evaluated: 2026-06-01. Review status: criteria provided, single submitter. Criteria: CeGaT Center For Human Genetics Tuebingen Variant Classification Criteria Version 2. Collection method: clinical testing. Allele origin: germline. Affected: yes. Observed: 6 variant alleles.
Comment: ABCD4: BS2

Labcorp Genetics (formerly Invitae), Labcorp
Classification: Benign for Methylmalonic acidemia with homocystinuria, type cblJ. Last evaluated: 2026-02-04. Review status: criteria provided, single submitter. Criteria: Invitae Variant Classification Sherloc (09022015). Collection method: clinical testing. Allele origin: germline.

ARUP Laboratories, Molecular Genetics and Genomics, ARUP Laboratories
Classification: Likely benign for Methylmalonic acidemia with homocystinuria, type cblJ. Last evaluated: 2025-07-10. Review status: criteria provided, single submitter. Criteria: ARUP Molecular Germline Variant Investigation Process 2024. Collection method: clinical testing. Allele origin: germline.

GeneDx
Classification: Benign. Last evaluated: 2018-01-22. Review status: criteria provided, single submitter. Criteria: GeneDx Variant Classification (06012015). Collection method: clinical testing. Allele origin: germline. Affected: yes.
Comment: This variant is considered likely benign or benign based on one or more of the following criteria: it is a conservative change, it occurs at a poorly conserved position in the protein, it is predicted to be benign by multiple in silico algorithms, and/or has population frequency not consistent with disease.

Center for Pediatric Genomic Medicine, Children's Mercy Hospital and Clinics
Classification: Likely benign. Last evaluated: 2017-01-04. Review status: criteria provided, single submitter. Criteria: ACMG Guidelines, 2015. Collection method: clinical testing. Allele origin: germline.
ClinVar note: Converted during submission from Likely Benign to Likely benign.

Breakthrough Genomics
Classification: Likely benign. Review status: criteria provided, single submitter. Criteria: ACMG Guidelines, 2015. Collection method: not provided. Allele origin: germline. Inheritance: Autosomal recessive inheritance. Affected: yes.